The following is an entry in ClinVar:

NM_001276270.2(MBD4):c.1509C>G (p.Tyr503Ter)

Gene: MBD4 (methyl-CpG binding domain 4, DNA glycosylase; minus strand). Cytogenetic location: 3q21.3.
Variant type: single nucleotide variant.
Coding change: c.1509C>G on transcript NM_001276270.2 (MANE Select); coding-DNA position 1509, C replaced by G.
Protein change: p.Tyr503Ter; replaces tyrosine 503 with a stop codon.
Molecular consequence: nonsense.
Genome position (GRCh38, 1-based): chr3:129,433,132, G>C on the plus strand (C>G on the coding strand, the complement: MBD4 is on the minus strand). VCF-style: chr3-129433132-G-C. GRCh37 (hg19) VCF-style: chr3-129151975-G-C.
Other names: c.1527C>G, p.Tyr509Ter (NM_001276271.2, NM_001276272.2, NM_003925.3); c.573C>G, p.Tyr191Ter (NM_001276273.2); short protein forms Y191*, Y503*, Y509*.
Identifiers: ClinVar variation 4825720 (VCV004825720.1).

ClinVar aggregate classification (germline): Pathogenic (1 of 4 stars; one submission).

Conditions:
Inborn genetic diseases. Identifiers: MedGen C0950123, MeSH D030342.

Submission:

Ambry Genetics
Classification: Pathogenic for Inborn genetic diseases. Last evaluated: 2026-03-02. Review status: criteria provided, single submitter. Criteria: Ambry Variant Classification Scheme 2023. Collection method: clinical testing. Allele origin: germline.
Comment: The p.Y503* variant (also known as c.1509C>G), located in coding exon 6 of the MBD4 gene, results from a C to G substitution at nucleotide position 1509. This changes the amino acid from a tyrosine to a stop codon within coding exon 6. This variant is considered to be rare based on population cohorts in the Genome Aggregation Database (gnomAD). This alteration is expected to result in loss of function by premature protein truncation or nonsense-mediated mRNA decay. As such, this alteration is interpreted as a disease-causing mutation.